The following is an entry in ClinVar:

ClinVar aggregate classification (germline): Uncertain significance (1 of 4 stars; one submission).

Conditions:
Hereditary nonpolyposis colorectal neoplasms. Identifiers: MedGen C0009405, MeSH D003123.

Submission:

Labcorp Genetics (formerly Invitae), Labcorp
Classification: Uncertain significance for Hereditary nonpolyposis colorectal neoplasms. Last evaluated: 2022-12-12. Review status: criteria provided, single submitter. Criteria: Invitae Variant Classification Sherloc (09022015). Collection method: clinical testing. Allele origin: germline.
Comment: This sequence change replaces leucine, which is neutral and non-polar, with histidine, which is basic and polar, at codon 403 of the MSH6 protein (p.Leu403His). In summary, the available evidence is currently insufficient to determine the role of this variant in disease. Therefore, it has been classified as a Variant of Uncertain Significance. Algorithms developed to predict the effect of missense changes on protein structure and function (SIFT, PolyPhen-2, Align-GVGD) all suggest that this variant is likely to be disruptive. This variant has not been reported in the literature in individuals affected with MSH6-related conditions. This variant is not present in population databases (gnomAD no frequency).

NM_000179.3(MSH6):c.1208T>A (p.Leu403His)

Gene: MSH6 (mutS homolog 6; plus strand). Cytogenetic location: 2p16.3.
Variant type: single nucleotide variant.
Coding change: c.1208T>A on transcript NM_000179.3 (MANE Select); coding-DNA position 1208, T replaced by A.
Protein change: p.Leu403His; replaces leucine 403 with histidine.
Molecular consequence: missense variant. On other transcripts: non-coding transcript variant (4), intron variant (1).
Genome position (GRCh38, 1-based): chr2:47,799,191, T>A. VCF-style: chr2-47799191-T-A. GRCh37 (hg19) VCF-style: chr2-48026330-T-A.
Other names: c.911T>A, p.Leu304His (NM_001406797.1, NM_001406801.1, NM_001406805.1 and 10 more transcripts); c.1208T>A, p.Leu403His (NM_001406798.1, NM_001406800.1, NM_001406803.1 and 4 more transcripts); c.683T>A, p.Leu228His (NM_001406799.1, NM_001406806.1, NM_001406807.1); c.1304T>A, p.Leu435His (NM_001406802.1, NM_001406795.1); c.1130T>A, p.Leu377His (NM_001406804.1); c.302T>A, p.Leu101His (NM_001406823.1, NM_001281493.2, NM_001281494.2 and 6 more transcripts); c.1040T>A, p.Leu347His (NM_001406826.1); c.818T>A, p.Leu273His (NM_001281492.2); and 2 more; short protein forms L377H, L101H, L273H, L403H, L228H, L304H, L347H, L405H.
Identifiers: ClinVar variation 2820492 (VCV002820492.3), dbSNP rs1669308493, ClinGen allele CA346743475.
Genomic context (GRCh38, chr2:47,799,191, plus strand): 5'-GGAGGAGGCCTGATCACCCCGATTTTGATGCATCTACACTCTATGTGCCTGAGGATTTCC[T>A]CAATTCTTGTACTCCTGGGATGAGGAAGTGGTGGCAGATTAAGTCTCAGAACTTTGATCT-3'
Protein context (NP_000170.1, residues 393-413): ASTLYVPEDF[Leu403His]NSCTPGMRKW